The following is an entry in ClinVar:

ClinVar aggregate classification (germline): Pathogenic (1 of 4 stars; one submission).

Conditions:
Intellectual disability, autosomal dominant 14 (CSS2). Also called: COFFIN-SIRIS SYNDROME 2. Identifiers: Orphanet 1465, MedGen C3553247, MONDO:0013819, OMIM 614607.

Submission:

New York Genome Center
Classification: Pathogenic for Intellectual disability, autosomal dominant 14. Last evaluated: 2024-11-05. Review status: criteria provided, single submitter. Criteria: NYGC Assertion Criteria 2020. Collection method: clinical testing. Allele origin: de novo. Affected: yes. Observed: 1 variant allele, 1 heterozygote.
Comment: The heterozygous c.2296C>T variant in the ARID1A has not been previously reported in the literature or public variant repositories (ClinVar and HGMD) and is absent from population databases (gnomAD v4.1.0, TOPMed Freeze 10, All of Us), suggesting it is not a common benign variant in the populations represented in those databases. The c.2296C>T variant in ARID1A is located in exon 7 of this 20-exon-gene, is predicted to incorporate a premature termination codon ((p.Gln766Ter)) is expected to result in loss-of-function via nonsense mediated decay. Multiple loss-of-function variants that are downstream to the c.2296C>T variant have been reported in the literature [PMID: 31530938, 23929686, 23906836] and ClinVar [975336, 30294 ] in individuals with Coffin-Siris Syndrome. Based on available evidence this heterozygous apparently de novo c.2296C>T(p.Gln766Ter)) variant identified in ARID1A is classified as Pathogenic.

NM_006015.6(ARID1A):c.2296C>T (p.Gln766Ter)

Gene: ARID1A (AT-rich interaction domain 1A; plus strand). Cytogenetic location: 1p36.11.
Variant type: single nucleotide variant.
Coding change: c.2296C>T on transcript NM_006015.6 (MANE Select); coding-DNA position 2296, C replaced by T.
Protein change: p.Gln766Ter; replaces glutamine 766 with a stop codon.
Molecular consequence: nonsense.
Genome position (GRCh38, 1-based): chr1:26,762,196, C>T. VCF-style: chr1-26762196-C-T. GRCh37 (hg19) VCF-style: chr1-27088687-C-T.
Other names: c.2296C>T, p.Gln766Ter (NM_139135.4); short protein forms Q766*.
Identifiers: ClinVar variation 4888389 (VCV004888389.1).